The following is an entry in ClinVar:

NM_001134407.3(GRIN2A):c.2168+5G>A

Gene: GRIN2A (glutamate ionotropic receptor NMDA type subunit 2A; minus strand). Cytogenetic location: 16p13.2.
Variant type: single nucleotide variant.
Coding change: c.2168+5G>A on transcript NM_001134407.3 (MANE Select); 5 bases into the intron after coding-DNA position 2168, G replaced by A.
Molecular consequence: intron variant.
Genome position (GRCh38, 1-based): chr16:9,822,259, C>T on the plus strand (G>A on the coding strand, the complement: GRIN2A is on the minus strand). VCF-style: chr16-9822259-C-T. GRCh37 (hg19) VCF-style: chr16-9916116-C-T.
Other names: c.2168+5G>A (NM_001134408.2, NM_000833.5).
Identifiers: ClinVar variation 3382541 (VCV003382541.2).

ClinVar aggregate classification (germline): Uncertain significance (1 of 4 stars; one submission).

Conditions:
Landau-Kleffner syndrome (FESD). Also called: EPILEPSY, FOCAL, WITH SPEECH DISORDER AND WITH OR WITHOUT MENTAL RETARDATION; APHASIA, ACQUIRED, WITH EPILEPSY. Identifiers: Orphanet 1945, Orphanet 725, Orphanet 98818, MedGen C0282512, MONDO:0009509, OMIM 245570.

gnomAD v4.1: 1 of 1,613,756 alleles (0.000062%); highest among the groups gnomAD compares: South Asian, 0.0011%; no homozygotes.

Submission:

Juno Genomics, Hangzhou Juno Genomics, Inc
Classification: Uncertain significance for Landau-Kleffner syndrome. Review status: criteria provided, single submitter. Criteria: ACMG Guidelines, 2015. Collection method: clinical testing. Allele origin: germline. Affected: yes.
Comment: Absent from controls (or at extremely low frequency if recessive) in Genome Aggregation Database, Exome Sequencing Project, 1000 Genomes Project, or Exome Aggregation Consortium.;Multiple lines of computational evidence support a deleterious effect on the gene or gene product (conservation, evolutionary, splicing impact, etc).;Patient's phenotype or family history is highly specific for a disease with a single genetic etiology.